The following is an entry in ClinVar:

NM_144573.4(NEXN):c.341_342del (p.Gln114fs)

Genes: NEXN (nexilin F-actin binding protein; plus strand), LOC126805765 (BRD4-independent group 4 enhancer GRCh37_chr1:78383688-78384887; plus strand). Cytogenetic location: 1p31.1.
Variant type: Deletion.
Coding change: c.341_342del on transcript NM_144573.4 (MANE Select); coding-DNA positions 341 to 342, 2 bases deleted (AA; older notation c.341_342delAA).
Protein change: p.Gln114fs; shifts the reading frame from glutamine 114.
Molecular consequence: frameshift variant.
Genome position (GRCh38, 1-based): chr1:77,918,167-77,918,168, AA deleted. VCF-style (leftmost placement, unchanged base first): chr1-77918166-CAA-C. GRCh37 (hg19) VCF-style: chr1-78383851-CAA-C.
Other names: c.341_342delAA (NM_144573.3); c.149_150del, p.Gln50fs (NM_001172309.2); short protein forms Q50fs, Q114fs.
Identifiers: ClinVar variation 47905 (VCV000047905.9), dbSNP rs397517857, ClinGen allele CA142154.

ClinVar aggregate classification (germline): Uncertain significance. Review status: criteria provided, multiple submitters, no conflicts (2 of 4 stars). 3 submissions from 3 submitters: Uncertain significance (3). Last evaluated 2019-07-30.

Conditions:
Cardiomyopathy (CMYO). Also called: Cardiomyopathies. Identifiers: Orphanet 167848, MedGen C0878544, MONDO:0004994, HP:0001638. Inheritance: Various modes of inheritance.

Allele frequency attached by ClinVar (database versions not stated): ExAC 0.00001; gnomAD 0.00001; gnomAD exomes 0.00001.

Submissions (3):

GeneDx
Classification: Uncertain significance. Last evaluated: 2019-07-30. Review status: criteria provided, single submitter. Criteria: GeneDx Variant Classification Process June 2021. Collection method: clinical testing. Allele origin: germline. Affected: yes.
Comment: Reported in association with HCM (Walsh et al., 2017); Not observed in large population cohorts (Lek et al., 2016); Reported in ClinVar as a variant of uncertain significance (ClinVar Variant ID# 47905; Landrum et al., 2016); Frameshift variant predicted to result in protein truncation or nonsense mediated decay in a gene for which loss-of-function is not a known mechanism of disease; This variant is associated with the following publications: (PMID: 27532257, 28640247)

CHEO Genetics Diagnostic Laboratory, Children's Hospital of Eastern Ontario
Classification: Uncertain significance for Cardiomyopathy. Last evaluated: 2018-02-07. Review status: criteria provided, single submitter. Criteria: ACMG Guidelines, 2015. Collection method: clinical testing. Allele origin: germline.

Laboratory for Molecular Medicine, Mass General Brigham Personalized Medicine
Classification: Uncertain significance. Last evaluated: 2014-07-14. Review status: criteria provided, single submitter. Criteria: LMM Criteria. Collection method: clinical testing. Allele origin: germline. Observed: 2 variant alleles.
Comment: Variant classified as Uncertain Significance - Favor Pathogenic. Data from large population studies is insufficient to assess the frequency of this variant. This variant is predicted to cause a frameshift, which alters t he protein?s amino acid sequence beginning at position 114 and lead to a prematu re termination codon 16 amino acids downstream. This alteration is then predicte d to lead to a truncated or absent protein. Although the severe nature of this c hange increases the likelihood that the variant is pathogenic, the NEXN gene has not been widely studied and the spectrum of variants leading to disease is not well-defined. Loss of NEXN function has been shown to cause DCM in zebrafish; ho wever, it remains unclear if one or both copies of the gene need to be affected to cause disease (Hassel 2009, Wang 2010). In summary, while there is some suspi cion for a pathogenic role, the clinical significance of the Gln114fs variant is uncertain.